The following is an entry in ClinVar:

NM_014714.4(IFT140):c.1717G>T (p.Ala573Ser)

Gene: IFT140 (intraflagellar transport 140; minus strand). Cytogenetic location: 16p13.3.
Variant type: single nucleotide variant.
Coding change: c.1717G>T on transcript NM_014714.4 (MANE Select); coding-DNA position 1717, G replaced by T.
Protein change: p.Ala573Ser; replaces alanine 573 with serine.
Molecular consequence: missense variant.
Genome position (GRCh38, 1-based): chr16:1,568,270, C>A on the plus strand (G>T on the coding strand, the complement: IFT140 is on the minus strand). VCF-style: chr16-1568270-C-A. GRCh37 (hg19) VCF-style: chr16-1618271-C-A.
Other names: short protein forms A573S.
Identifiers: ClinVar variation 1036933 (VCV001036933.10), dbSNP rs528350505, ClinGen allele CA7814168.

ClinVar aggregate classification (germline): Uncertain significance. Review status: criteria provided, multiple submitters, no conflicts (2 of 4 stars). 2 submissions from 2 submitters: Uncertain significance (2). Last evaluated 2025-11-05.

Conditions:
Saldino-Mainzer syndrome (SRTD9). Also called: Renal dysplasia, retinal pigmentary dystrophy, cerebellar ataxia and skeletal dysplasia; SHORT-RIB THORACIC DYSPLASIA 9 WITHOUT POLYDACTYLY; CONORENAL SYNDROME; short-rib thoracic dysplasia 9 with or without polydactyly. Identifiers: Orphanet 140969, MedGen C1849437, MONDO:0009964, OMIM 266920.

Allele frequency attached by ClinVar (database versions not stated): TOPMed 0.00001.
gnomAD v4.1: 12 of 1,613,010 alleles (0.00074%); highest among the groups gnomAD compares: Non-Finnish European, 0.001%; no homozygotes.

Submissions (2):

Labcorp Genetics (formerly Invitae), Labcorp
Classification: Uncertain significance for Saldino-Mainzer syndrome. Last evaluated: 2025-11-05. Review status: criteria provided, single submitter. Criteria: Invitae Variant Classification Sherloc (09022015). Collection method: clinical testing. Allele origin: germline.
Comment: This sequence change replaces alanine, which is neutral and non-polar, with serine, which is neutral and polar, at codon 573 of the IFT140 protein (p.Ala573Ser). This variant is present in population databases (rs528350505, gnomAD 0.002%). This variant has not been reported in the literature in individuals affected with IFT140-related conditions. ClinVar contains an entry for this variant (Variation ID: 1036933). Invitae Evidence Modeling of protein sequence and biophysical properties (such as structural, functional, and spatial information, amino acid conservation, physicochemical variation, residue mobility, and thermodynamic stability) indicates that this missense variant is not expected to disrupt IFT140 protein function with a negative predictive value of 95%. In summary, the available evidence is currently insufficient to determine the role of this variant in disease. Therefore, it has been classified as a Variant of Uncertain Significance.

Blueprint Genetics
Classification: Uncertain significance. Last evaluated: 2022-08-26. Review status: criteria provided, single submitter. Criteria: ACMG Guidelines, 2015. Collection method: clinical testing. Allele origin: germline.